The following is an entry in ClinVar:

NM_015909.4(NBAS):c.1117C>T (p.Leu373Phe)

Gene: NBAS (NBAS subunit of NRZ tethering complex; minus strand). Cytogenetic location: 2p24.3.
Variant type: single nucleotide variant.
Coding change: c.1117C>T on transcript NM_015909.4 (MANE Select); coding-DNA position 1117, C replaced by T.
Protein change: p.Leu373Phe; replaces leucine 373 with phenylalanine.
Molecular consequence: missense variant. On other transcripts: non-coding transcript variant (1).
Genome position (GRCh38, 1-based): chr2:15,478,256, G>A on the plus strand (C>T on the coding strand, the complement: NBAS is on the minus strand). VCF-style: chr2-15478256-G-A. GRCh37 (hg19) VCF-style: chr2-15618380-G-A.
Other names: short protein forms L373F.
Identifiers: ClinVar variation 1345962 (VCV001345962.6), dbSNP rs2148593119, ClinGen allele CA345892631.

ClinVar aggregate classification (germline): Uncertain significance (1 of 4 stars; one submission).

gnomAD v4.1: 4 of 1,611,366 alleles (0.00025%); highest among the groups gnomAD compares: Non-Finnish European, 0.00034%; no homozygotes.

Submission:

Labcorp Genetics (formerly Invitae), Labcorp
Classification: Uncertain significance. Last evaluated: 2021-12-07. Review status: criteria provided, single submitter. Criteria: Invitae Variant Classification Sherloc (09022015). Collection method: clinical testing. Allele origin: germline.
Comment: In summary, the available evidence is currently insufficient to determine the role of this variant in disease. Therefore, it has been classified as a Variant of Uncertain Significance. Algorithms developed to predict the effect of missense changes on protein structure and function are either unavailable or do not agree on the potential impact of this missense change (SIFT: "Deleterious"; PolyPhen-2: "Benign"; Align-GVGD: "Class C15"). This variant has not been reported in the literature in individuals affected with NBAS-related conditions. This variant is not present in population databases (gnomAD no frequency). This sequence change replaces leucine, which is neutral and non-polar, with phenylalanine, which is neutral and non-polar, at codon 373 of the NBAS protein (p.Leu373Phe).